The following is an entry in ClinVar:

NM_001025603.2(RFX5):c.*1413A>C

Gene: RFX5 (regulatory factor X5; minus strand). Cytogenetic location: 1q21.3.
Variant type: single nucleotide variant.
Coding change: c.*1413A>C on transcript NM_001025603.2 (MANE Select); 1413 bases downstream of the stop codon, A replaced by C.
Molecular consequence: 3 prime UTR variant.
Genome position (GRCh38, 1-based): chr1:151,340,773, T>G on the plus strand (A>C on the coding strand, the complement: RFX5 is on the minus strand). VCF-style: chr1-151340773-T-G. GRCh37 (hg19) VCF-style: chr1-151313249-T-G.
Other names: c.*1413A>C (NM_000449.4, NM_001379412.1, NM_001379413.1 and 7 more transcripts).
Identifiers: ClinVar variation 876507 (VCV000876507.4), dbSNP rs368014716, ClinGen allele CA29556447.

ClinVar aggregate classification (germline): Likely benign (1 of 4 stars; one submission).

Conditions:
MHC class II deficiency. Also called: Bare lymphocyte syndrome 2; BLS, TYPE II. Identifiers: Orphanet 572, MedGen C5447452, MONDO:0008855.

Allele frequency attached by ClinVar (database versions not stated): 1000 Genomes Project 30x 0.00234; 1000 Genomes Project 0.00240; TOPMed 0.00422; gnomAD 0.00425 and 0.00440.

Submission:

Illumina Laboratory Services, Illumina
Classification: Likely benign for MHC class II deficiency 1. Last evaluated: 2018-01-13. Review status: criteria provided, single submitter. Criteria: ICSL Variant Classification Criteria 13 December 2019. Collection method: clinical testing. Allele origin: germline.
Comment: This variant was observed in the ICSL laboratory as part of a predisposition screen in an ostensibly healthy population. It had not been previously curated by ICSL or reported in the Human Gene Mutation Database (HGMD: prior to June 1st, 2018), and was therefore a candidate for classification through an automated scoring system. Utilizing variant allele frequency, disease prevalence and penetrance estimates, and inheritance mode, an automated score was calculated to assess if this variant is too frequent to cause the disease. Based on the score and internal cut-off values, a variant classified as likely benign is not then subjected to further curation. The score for this variant resulted in a classification of likely benign for this disease.